The following is an entry in ClinVar:

NM_000089.4(COL1A2):c.776G>A (p.Gly259Asp)

Gene: COL1A2 (collagen type I alpha 2 chain; plus strand). Cytogenetic location: 7q21.3.
Variant type: single nucleotide variant.
Coding change: c.776G>A on transcript NM_000089.4 (MANE Select); coding-DNA position 776, G replaced by A.
Protein change: p.Gly259Asp; replaces glycine 259 with aspartic acid.
Molecular consequence: missense variant.
Genome position (GRCh38, 1-based): chr7:94,408,807, G>A. VCF-style: chr7-94408807-G-A. GRCh37 (hg19) VCF-style: chr7-94038119-G-A.
Other names: short protein forms G259D.
Identifiers: ClinVar variation 1029638 (VCV001029638.2), dbSNP rs1584318648, ClinGen allele CA368220499.

ClinVar aggregate classification (germline): Pathogenic/Likely pathogenic. Review status: criteria provided, multiple submitters, no conflicts (2 of 4 stars). 2 submissions from 2 submitters: Pathogenic (1); Likely pathogenic (1). Last evaluated 2024-05-28.

Conditions:
Osteogenesis imperfecta type I (OI1). Also called: OI, TYPE I; OSTEOGENESIS IMPERFECTA TARDA; OSTEOGENESIS IMPERFECTA WITH BLUE SCLERAE; Osteogenesis imperfecta type 1; Lobstein's Disease; Lobstein disease. Identifiers: Orphanet 216796, Orphanet 666, MedGen C0023931, MONDO:0008146, OMIM 166200. Disease mechanism: loss of function.

Submissions (2):

GeneDx
Classification: Pathogenic. Last evaluated: 2024-05-28. Review status: criteria provided, single submitter. Criteria: GeneDx Variant Classification Process June 2021. Collection method: clinical testing. Allele origin: germline. Affected: yes.
Comment: Occurs in the triple helical domain and replaces a glycine in a canonical Gly-X-Y repeat; missense substitution of a canonical glycine residue is expected to disrupt normal protein folding and function, and this is an established mechanism of disease (PMID: 34007986); Not observed at significant frequency in large population cohorts (gnomAD); In silico analysis supports that this missense variant has a deleterious effect on protein structure/function; This variant is associated with the following publications: (PMID: 34007986, 31414283, 30715774)

Baylor Genetics
Classification: Likely pathogenic for Osteogenesis imperfecta type I. Last evaluated: 2020-07-06. Review status: criteria provided, single submitter. Criteria: ACMG Guidelines, 2015. Collection method: clinical testing. Allele origin: unknown. Affected: yes.
Comment: This variant was determined to be likely pathogenic according to ACMG Guidelines, 2015 [PMID:25741868].